The following is an entry in ClinVar:

ClinVar aggregate classification (germline): Uncertain significance (1 of 4 stars; one submission).

Conditions:
Neuroblastoma, susceptibility to, 3. Also called: ALK-Related Neuroblastic Tumor Susceptibility. Identifiers: Orphanet 635, MedGen C2751681, MONDO:0013083, OMIM 613014.

Allele frequency attached by ClinVar (database versions not stated): TOPMed 0.00001.

Submission:

Labcorp Genetics (formerly Invitae), Labcorp
Classification: Uncertain significance for Neuroblastoma, susceptibility to, 3. Last evaluated: 2022-12-23. Review status: criteria provided, single submitter. Criteria: Invitae Variant Classification Sherloc (09022015). Collection method: clinical testing. Allele origin: germline.
Comment: This sequence change replaces glutamic acid, which is acidic and polar, with aspartic acid, which is acidic and polar, at codon 1129 of the ALK protein (p.Glu1129Asp). This variant is not present in population databases (gnomAD no frequency). This variant has not been reported in the literature in individuals affected with ALK-related conditions. Algorithms developed to predict the effect of missense changes on protein structure and function (SIFT, PolyPhen-2, Align-GVGD) all suggest that this variant is likely to be disruptive. In summary, the available evidence is currently insufficient to determine the role of this variant in disease. Therefore, it has been classified as a Variant of Uncertain Significance.

NM_004304.5(ALK):c.3387G>T (p.Glu1129Asp)

Gene: ALK (ALK receptor tyrosine kinase; minus strand). Cytogenetic location: 2p23.2.
Variant type: single nucleotide variant.
Coding change: c.3387G>T on transcript NM_004304.5 (MANE Select); coding-DNA position 3387, G replaced by T.
Protein change: p.Glu1129Asp; replaces glutamic acid 1129 with aspartic acid.
Molecular consequence: missense variant.
Genome position (GRCh38, 1-based): chr2:29,222,580, C>A on the plus strand (G>T on the coding strand, the complement: ALK is on the minus strand). VCF-style: chr2-29222580-C-A. GRCh37 (hg19) VCF-style: chr2-29445446-C-A.
Other names: c.183G>T, p.Glu61Asp (NM_001353765.2); short protein forms E1129D, E61D.
Identifiers: ClinVar variation 2823601 (VCV002823601.3), dbSNP rs759177019, ClinGen allele CA346464080.